The following is an entry in ClinVar:

ClinVar aggregate classification (germline): Uncertain significance. Review status: criteria provided, multiple submitters, no conflicts (2 of 4 stars). 2 submissions from 2 submitters: Uncertain significance (2). Last evaluated 2024-02-21.

Conditions:
Familial adenomatous polyposis 1 (FAP1). Also called: FAMILIAL ADENOMATOUS POLYPOSIS 1, ATTENUATED; POLYPOSIS, ADENOMATOUS INTESTINAL. Identifiers: MedGen C2713442, MONDO:0021056, OMIM 175100. Disease mechanism: loss of function.

Allele frequency attached by ClinVar (database versions not stated): gnomAD exomes below 0.00001.
gnomAD v4.1: 1 of 1,614,160 alleles (0.000062%); highest among the groups gnomAD compares: Non-Finnish European, 0.000085%; no homozygotes.

Submissions (2):

Baylor Genetics
Classification: Uncertain significance for Familial adenomatous polyposis 1. Last evaluated: 2024-02-21. Review status: criteria provided, single submitter. Criteria: ACMG Guidelines, 2015. Collection method: clinical testing. Allele origin: unknown.

Labcorp Genetics (formerly Invitae), Labcorp
Classification: Uncertain significance for Familial adenomatous polyposis 1. Last evaluated: 2023-12-11. Review status: criteria provided, single submitter. Criteria: Invitae Variant Classification Sherloc (09022015). Collection method: clinical testing. Allele origin: germline.
Comment: This sequence change replaces asparagine, which is neutral and polar, with aspartic acid, which is acidic and polar, at codon 869 of the APC protein (p.Asn869Asp). This variant is not present in population databases (gnomAD no frequency). This variant has not been reported in the literature in individuals affected with APC-related conditions. ClinVar contains an entry for this variant (Variation ID: 2175401). Advanced modeling of protein sequence and biophysical properties (such as structural, functional, and spatial information, amino acid conservation, physicochemical variation, residue mobility, and thermodynamic stability) performed at Invitae indicates that this missense variant is not expected to disrupt APC protein function with a negative predictive value of 95%. In summary, the available evidence is currently insufficient to determine the role of this variant in disease. Therefore, it has been classified as a Variant of Uncertain Significance.

NM_000038.6(APC):c.2605A>G (p.Asn869Asp)

Gene: APC (APC regulator of Wnt signaling pathway; plus strand). Cytogenetic location: 5q22.2.
Variant type: single nucleotide variant.
Coding change: c.2605A>G on transcript NM_000038.6 (MANE Select); coding-DNA position 2605, A replaced by G.
Protein change: p.Asn869Asp; replaces asparagine 869 with aspartic acid.
Molecular consequence: missense variant.
Genome position (GRCh38, 1-based): chr5:112,838,199, A>G. VCF-style: chr5-112838199-A-G. GRCh37 (hg19) VCF-style: chr5-112173896-A-G.
Other names: c.2605A>G, p.Asn869Asp (NM_001127510.3, NM_001354895.2, NM_001407450.1); c.2551A>G, p.Asn851Asp (NM_001127511.3); c.2659A>G, p.Asn887Asp (NM_001354896.2, NM_001407447.1, NM_001407448.1 and 1 more transcripts); c.2635A>G, p.Asn879Asp (NM_001354897.2); c.2530A>G, p.Asn844Asp (NM_001354898.2); c.2521A>G, p.Asn841Asp (NM_001354899.2); c.2482A>G, p.Asn828Asp (NM_001354900.2); c.2428A>G, p.Asn810Asp (NM_001354901.2, NM_001407453.1); and 11 more; short protein forms N879D, N897D, N740D, N743D, N778D, N844D, N851D, N869D.
Identifiers: ClinVar variation 2175401 (VCV002175401.5), dbSNP rs2149873468, ClinGen allele CA16027033.